The following is an entry in ClinVar:

ClinVar aggregate classification (germline): Uncertain significance (1 of 4 stars; one submission).

gnomAD v4.1: 1 of 1,613,168 alleles (0.000062%); highest among the groups gnomAD compares: South Asian, 0.0011%; no homozygotes.

Submission:

GeneDx
Classification: Uncertain significance. Last evaluated: 2026-03-26. Review status: criteria provided, single submitter. Criteria: GeneDx Variant Classification Process June 2021. Collection method: clinical testing. Allele origin: germline.
Comment: Not observed at significant frequency in large population cohorts (gnomAD); In silico analysis supports that this missense variant has a deleterious effect on protein structure/function; Has not been previously published as pathogenic or benign to our knowledge

NM_001100913.3(PACS2):c.485C>A (p.Ala162Asp)

Gene: PACS2 (phosphofurin acidic cluster sorting protein 2; plus strand). Cytogenetic location: 14q32.33.
Variant type: single nucleotide variant.
Coding change: c.485C>A on transcript NM_001100913.3 (MANE Select); coding-DNA position 485, C replaced by A.
Protein change: p.Ala162Asp; replaces alanine 162 with aspartic acid.
Molecular consequence: missense variant.
Genome position (GRCh38, 1-based): chr14:105,367,274, C>A. VCF-style: chr14-105367274-C-A. GRCh37 (hg19) VCF-style: chr14-105833611-C-A.
Other names: c.284C>A, p.Ala95Asp (NM_001243127.3); c.485C>A, p.Ala162Asp (NM_015197.4); short protein forms A162D, A95D.
Identifiers: ClinVar variation 5017638 (VCV005017638.1).